The following is an entry in ClinVar:

ClinVar aggregate classification (germline): Pathogenic. Review status: criteria provided, multiple submitters, no conflicts (2 of 4 stars). 3 submissions from 3 submitters: Pathogenic (3). Last evaluated 2024-11-13.

Conditions:
ABCC6-related disorder. Also called: ABCC6-related condition.

Submissions (3):

Blueprint Genetics
Classification: Pathogenic for ABCC6-related disorders. Last evaluated: 2024-11-13. Review status: criteria provided, single submitter. Criteria: ACMG Guidelines, 2015. Collection method: clinical testing. Allele origin: germline. Affected: yes. Observed: 5 variant alleles.

Labcorp Genetics (formerly Invitae), Labcorp
Classification: Pathogenic. Last evaluated: 2023-12-19. Review status: criteria provided, single submitter. Criteria: Invitae Variant Classification Sherloc (09022015). Collection method: clinical testing. Allele origin: germline.
Comment: This sequence change creates a premature translational stop signal (p.Ser1205Cysfs*72) in the ABCC6 gene. It is expected to result in an absent or disrupted protein product. Loss-of-function variants in ABCC6 are known to be pathogenic (PMID: 11536079, 17617515). This variant is present in population databases (rs745900279, gnomAD 0.05%). This premature translational stop signal has been observed in individual(s) with pseudoxanthoma elasticum (PMID: 35525997). ClinVar contains an entry for this variant (Variation ID: 280870). For these reasons, this variant has been classified as Pathogenic.

GeneDx
Classification: Pathogenic. Last evaluated: 2016-09-22. Review status: criteria provided, single submitter. Criteria: GeneDx Variant Classification (06012015). Collection method: clinical testing. Allele origin: germline. Affected: yes.
Comment: The c.3614_3615delCT pathogenic variant in the ABCC6 gene causes a frameshift starting with codon Serine 1205, changes this amino acid to a Cysteine residue and creates a premature Stop codon at position 72 of the new reading frame, denoted p.Ser1205CysfsX72. This pathogenic variant is predicted to cause loss of normal protein function either through protein truncation or nonsense-mediated mRNA decay. In addition, the c.3614_3615delCT variant was not observed in approximately 6,400 individuals of European and African American ancestry in the NHLBI Exome Sequencing Project.

Literature cited by the submitters: PubMed 11536079 (cited by Labcorp Genetics (formerly Invitae), Labcorp); PubMed 17617515 (cited by Labcorp Genetics (formerly Invitae), Labcorp); PubMed 35525997 (cited by Labcorp Genetics (formerly Invitae), Labcorp).

NM_001171.6(ABCC6):c.3614_3615del (p.Ser1205fs)

Gene: ABCC6 (ATP binding cassette subfamily C member 6; minus strand). Cytogenetic location: 16p13.11.
Variant type: Microsatellite.
Coding change: c.3614_3615del on transcript NM_001171.6 (MANE Select); coding-DNA positions 3614 to 3615, 2 bases deleted (CT; older notation c.3614_3615delCT).
Protein change: p.Ser1205fs; shifts the reading frame from serine 1205.
Molecular consequence: frameshift variant. On other transcripts: non-coding transcript variant (1).
Genome position (GRCh38, 1-based): chr16:16,161,456-16,161,457, AG deleted on the plus strand (CT on the coding strand, the reverse complement: ABCC6 is on the minus strand); deleting any 2 consecutive bases within chr16:16,161,456-16,161,460 gives the same sequence; the c. name uses the placement nearest the transcript's 3' end. VCF-style (leftmost placement, unchanged base first): chr16-16161455-CAG-C. GRCh37 (hg19) VCF-style: chr16-16255312-CAG-C.
Other names: c.3272_3273del, p.Ser1091fs (NM_001351800.1); c.3614_3615delCT (NM_001171.5); short protein forms S1091fs, S1205fs.
Identifiers: ClinVar variation 280870 (VCV000280870.6), dbSNP rs745900279, ClinGen allele CA7925516.